The following is an entry in ClinVar:

ClinVar aggregate classification (germline): Uncertain significance (1 of 4 stars; one submission).

Conditions:
Ataxia-telangiectasia syndrome (AT). Also called: LOUIS-BAR SYNDROME; Cerebello-oculocutaneous telangiectasia; Immunodeficiency with ataxia telangiectasia; Ataxia telangiectasia (A-T); Ataxia-telangiectasia, complementation group D; AT, COMPLEMENTATION GROUP C. Identifiers: Orphanet 100, MedGen C0004135, MONDO:0008840, OMIM 208900.

Submission:

Labcorp Genetics (formerly Invitae), Labcorp
Classification: Uncertain significance for Ataxia-telangiectasia syndrome. Last evaluated: 2022-12-15. Review status: criteria provided, single submitter. Criteria: Invitae Variant Classification Sherloc (09022015). Collection method: clinical testing. Allele origin: germline.
Comment: This variant is not present in population databases (gnomAD no frequency). This sequence change replaces arginine, which is basic and polar, with glycine, which is neutral and non-polar, at codon 2642 of the ATM protein (p.Arg2642Gly). This variant has not been reported in the literature in individuals affected with ATM-related conditions. In summary, the available evidence is currently insufficient to determine the role of this variant in disease. Therefore, it has been classified as a Variant of Uncertain Significance. This variant disrupts the p.Arg2642 amino acid residue in ATM. Other variant(s) that disrupt this residue have been determined to be pathogenic (PMID: 8808599, 26556299; Invitae). This suggests that this residue is clinically significant, and that variants that disrupt this residue are likely to be disease-causing. Algorithms developed to predict the effect of missense changes on protein structure and function (SIFT, PolyPhen-2, Align-GVGD) all suggest that this variant is likely to be tolerated.

Literature cited by the submitters: PubMed 8808599; PubMed 26556299.

NM_000051.4(ATM):c.7924A>G (p.Arg2642Gly)

Genes: ATM (ATM serine/threonine kinase; plus strand), C11orf65 (chromosome 11 open reading frame 65; minus strand). Cytogenetic location: 11q22.3.
Variant type: single nucleotide variant.
Coding change: c.7924A>G on transcript NM_000051.4 (MANE Select); coding-DNA position 7924, A replaced by G.
Protein change: p.Arg2642Gly; replaces arginine 2642 with glycine.
Molecular consequence: missense variant. On other transcripts: intron variant (2).
Genome position (GRCh38, 1-based): chr11:108,332,897, A>G. VCF-style: chr11-108332897-A-G. GRCh37 (hg19) VCF-style: chr11-108203624-A-G.
Other names: c.7924A>G, p.Arg2642Gly (NM_001351834.2); c.641-23826T>C (NM_001330368.2); c.*38+2323T>C (NM_001351110.2); short protein forms R2642G.
Identifiers: ClinVar variation 2821029 (VCV002821029.3), dbSNP rs2547301471, ClinGen allele CA382561523.